The following is an entry in ClinVar:

NM_000218.3(KCNQ1):c.1514+4493A>T

Genes: KCNQ1 (potassium voltage-gated channel subfamily Q member 1; plus strand), KCNQ1OT1 (KCNQ1 opposite strand/antisense transcript 1; minus strand). Cytogenetic location: 11p15.5.
Variant type: single nucleotide variant.
Coding change: c.1514+4493A>T on transcript NM_000218.3 (MANE Select); 4493 bases into the intron after coding-DNA position 1514, A replaced by T.
Molecular consequence: intron variant.
Genome position (GRCh38, 1-based): chr11:2,666,574, A>T. VCF-style: chr11-2666574-A-T. GRCh37 (hg19) VCF-style: chr11-2687804-A-T.
Other names: c.1514+4493A>T (NM_000218.2); c.1244+4493A>T (NM_001406837.1); c.1418+4493A>T (NM_001406836.1); c.974+4493A>T (NM_001406838.1); c.1133+4493A>T (NM_181798.2).
Identifiers: ClinVar variation 1694615 (VCV001694615.32), dbSNP rs61870800, ClinGen allele CA216174921.

ClinVar aggregate classification (germline): Likely benign. Review status: criteria provided, single submitter (1 of 4 stars). 2 submissions from 2 submitters: Likely benign (1). 1 of the submissions does not count toward it. Last evaluated 2026-09-01.

Conditions:
KCNQ1-related disorder. Also called: KCNQ1-related disorders; KCNQ1-related condition. Identifiers: MedGen CN239322.

Allele frequency attached by ClinVar (database versions not stated): 1000 Genomes Project 0.00080; 1000 Genomes Project 30x 0.00094; gnomAD 0.00209 and 0.00215; TOPMed 0.00212; gnomAD exomes 0.00297.
gnomAD v4.1: 1,040 of 398,662 alleles (0.26%); highest among the groups gnomAD compares: Admixed American, 0.34%; 4 homozygotes.

Submissions (2):

CeGaT Center for Human Genetics Tuebingen
Classification: Likely benign. Last evaluated: 2026-09-01. Review status: criteria provided, single submitter. Criteria: CeGaT Center For Human Genetics Tuebingen Variant Classification Criteria Version 2. Collection method: clinical testing. Allele origin: germline. Affected: yes. Observed: 34 variant alleles.
Comment: KCNQ1OT1: BS2

PreventionGenetics, part of Exact Sciences
Classification: Likely benign for KCNQ1-related condition. Last evaluated: 2019-07-13. Review status: no assertion criteria provided. Collection method: clinical testing. Allele origin: germline. Not counted in ClinVar's aggregate classification.
Comment: This variant is classified as likely benign based on ACMG/AMP sequence variant interpretation guidelines (Richards et al. 2015 PMID: 25741868, with internal and published modifications).